The following is an entry in ClinVar:

NM_005592.4(MUSK):c.1711C>A (p.Pro571Thr)

Gene: MUSK (muscle associated receptor tyrosine kinase; plus strand). Cytogenetic location: 9q31.3.
Variant type: single nucleotide variant.
Coding change: c.1711C>A on transcript NM_005592.4 (MANE Select); coding-DNA position 1711, C replaced by A.
Protein change: p.Pro571Thr; replaces proline 571 with threonine.
Molecular consequence: missense variant.
Genome position (GRCh38, 1-based): chr9:110,785,651, C>A. VCF-style: chr9-110785651-C-A. GRCh37 (hg19) VCF-style: chr9-113547931-C-A.
Other names: c.1711C>A (NM_005592.3); c.1453C>A, p.Pro485Thr (NM_001166280.2); c.1423C>A, p.Pro475Thr (NM_001166281.2); c.451C>A, p.Pro151Thr (NM_001369398.1); short protein forms P571T, P485T, P151T, P475T.
Identifiers: ClinVar variation 1941800 (VCV001941800.3), dbSNP rs1378295933, ClinGen allele CA374475862.
Genomic context (GRCh38, chr9:110,785,651, plus strand): 5'-AACCCCATGTACCAGAGGATGCCGCTCCTTCTGAACCCCAAATTGCTCAGCCTGGAGTAT[C>A]CAAGGAATAACATTGAATATGTGAGAGACATCGGAGAGGGAGCGTTTGGAAGGGTGTTTC-3'
Protein context (NP_005583.1, residues 561-581): LNPKLLSLEY[Pro571Thr]RNNIEYVRDI

ClinVar aggregate classification (germline): Uncertain significance. Review status: criteria provided, multiple submitters, no conflicts (2 of 4 stars). 2 submissions from 2 submitters: Uncertain significance (2). Last evaluated 2025-10-18.

Conditions:
Congenital myasthenic syndrome 9. Also called: Myasthenic syndrome, congenital, 9, associated with acetylcholine receptor deficiency. Identifiers: Orphanet 590, MedGen C4225368, MONDO:0014587, OMIM 616325.
Fetal akinesia deformation sequence 1 (FADS1). Also called: Fetal akinesia sequence; Pena-Shokeir syndrome type I. Identifiers: Orphanet 994, MedGen C1276035, MONDO:0100101, OMIM 208150, HP:0001989.
Inborn genetic diseases. Identifiers: MedGen C0950123, MeSH D030342.

Allele frequency attached by ClinVar (database versions not stated): gnomAD 0.00001.
gnomAD v4.1: 3 of 1,612,590 alleles (0.00019%); highest among the groups gnomAD compares: Non-Finnish European, 0.00017%; no homozygotes.

Submissions (2):

Ambry Genetics
Classification: Uncertain significance for Inborn genetic diseases. Last evaluated: 2025-10-18. Review status: criteria provided, single submitter. Criteria: Ambry Variant Classification Scheme 2023. Collection method: clinical testing. Allele origin: germline.

Labcorp Genetics (formerly Invitae), Labcorp
Classification: Uncertain significance for Congenital myasthenic syndrome 9; Fetal akinesia deformation sequence 1. Last evaluated: 2022-08-29. Review status: criteria provided, single submitter. Criteria: Invitae Variant Classification Sherloc (09022015). Collection method: clinical testing. Allele origin: germline.
Comment: This sequence change replaces proline, which is neutral and non-polar, with threonine, which is neutral and polar, at codon 571 of the MUSK protein (p.Pro571Thr). This variant is present in population databases (no rsID available, gnomAD 0.0009%). This variant has not been reported in the literature in individuals affected with MUSK-related conditions. Algorithms developed to predict the effect of missense changes on protein structure and function (SIFT, PolyPhen-2, Align-GVGD) all suggest that this variant is likely to be disruptive. In summary, the available evidence is currently insufficient to determine the role of this variant in disease. Therefore, it has been classified as a Variant of Uncertain Significance.